The following is an entry in ClinVar:

NM_053013.4(ENO3):c.298A>T (p.Thr100Ser)

Gene: ENO3 (enolase 3; plus strand). Cytogenetic location: 17p13.2.
Variant type: single nucleotide variant.
Coding change: c.298A>T on transcript NM_053013.4 (MANE Select); coding-DNA position 298, A replaced by T.
Protein change: p.Thr100Ser; replaces threonine 100 with serine.
Molecular consequence: missense variant. On other transcripts: intron variant (1).
Genome position (GRCh38, 1-based): chr17:4,953,329, A>T. VCF-style: chr17-4953329-A-T. GRCh37 (hg19) VCF-style: chr17-4856624-A-T.
Other names: c.298A>T, p.Thr100Ser (NM_001374523.1, NM_001976.5); c.325A>T, p.Thr109Ser (NM_001374524.1); c.182-383A>T (NM_001193503.2); short protein forms T109S, T100S.
Identifiers: ClinVar variation 2147521 (VCV002147521.1), dbSNP rs764391024, ClinGen allele CA8316237.

ClinVar aggregate classification (germline): Uncertain significance (1 of 4 stars; one submission).

Conditions:
Glycogen storage disease due to muscle beta-enolase deficiency (GSD13). Also called: ENOLASE 3 DEFICIENCY; ENOLASE-BETA DEFICIENCY; GSD XIII; Glycogen Storage Disease Type XIII. Identifiers: Orphanet 99849, MedGen C2752027, MONDO:0013046, OMIM 612932.

Allele frequency attached by ClinVar (database versions not stated): gnomAD 0.00001; gnomAD exomes 0.00001; ExAC 0.00002; TOPMed 0.00002.

Submission:

Labcorp Genetics (formerly Invitae), Labcorp
Classification: Uncertain significance for Glycogen storage disease due to muscle beta-enolase deficiency. Last evaluated: 2021-12-24. Review status: criteria provided, single submitter. Criteria: Invitae Variant Classification Sherloc (09022015). Collection method: clinical testing. Allele origin: germline.
Comment: This sequence change replaces threonine, which is neutral and polar, with serine, which is neutral and polar, at codon 100 of the ENO3 protein (p.Thr100Ser). This variant is present in population databases (rs764391024, gnomAD 0.009%). This variant has not been reported in the literature in individuals affected with ENO3-related conditions. Algorithms developed to predict the effect of missense changes on protein structure and function (SIFT, PolyPhen-2, Align-GVGD) all suggest that this variant is likely to be tolerated. In summary, the available evidence is currently insufficient to determine the role of this variant in disease. Therefore, it has been classified as a Variant of Uncertain Significance.